The following is an entry in ClinVar:

NM_002887.4(RARS1):c.369+3G>A

Gene: RARS1 (arginyl-tRNA synthetase 1; plus strand). Cytogenetic location: 5q34.
Variant type: single nucleotide variant.
Coding change: c.369+3G>A on transcript NM_002887.4 (MANE Select); 3 bases into the intron after coding-DNA position 369, G replaced by A.
Molecular consequence: intron variant.
Genome position (GRCh38, 1-based): chr5:168,492,850, G>A. VCF-style: chr5-168492850-G-A. GRCh37 (hg19) VCF-style: chr5-167919855-G-A.
Identifiers: ClinVar variation 3151673 (VCV003151673.1), dbSNP rs1019030516, ClinGen allele CA131933449.

ClinVar aggregate classification (germline): Uncertain significance (1 of 4 stars; one submission).

Conditions:
Inborn genetic diseases. Identifiers: MedGen C0950123, MeSH D030342.

Allele frequency attached by ClinVar (database versions not stated): gnomAD exomes 0.00001.
gnomAD v4.1: 16 of 1,592,742 alleles (0.001%); highest among the groups gnomAD compares: Non-Finnish European, 0.0014%; no homozygotes.

Submission:

Ambry Genetics
Classification: Uncertain significance for Inborn genetic diseases. Last evaluated: 2022-05-09. Review status: criteria provided, single submitter. Criteria: Ambry Variant Classification Scheme 2023. Collection method: clinical testing. Allele origin: germline.
Comment: The c.369+3G>A intronic alteration consists of a G to A substitution 3 nucleotides after exon 3 of the RARS gene. Based on insufficient or conflicting evidence, the clinical significance of this alteration remains unclear.